The following is an entry in ClinVar:

NM_000284.4(PDHA1):c.265G>A (p.Gly89Ser)

Gene: PDHA1 (pyruvate dehydrogenase E1 subunit alpha 1; plus strand). Cytogenetic location: Xp22.12.
Variant type: single nucleotide variant.
Coding change: c.265G>A on transcript NM_000284.4 (MANE Select); coding-DNA position 265, G replaced by A.
Protein change: p.Gly89Ser; replaces glycine 89 with serine.
Molecular consequence: missense variant.
Genome position (GRCh38, 1-based): chrX:19,350,084, G>A. VCF-style: chrX-19350084-G-A. GRCh37 (hg19) VCF-style: chrX-19368202-G-A.
Other names: c.379G>A, p.Gly127Ser (NM_001173454.2); c.265G>A, p.Gly89Ser (NM_001173455.2, NM_001173456.2); short protein forms G89S, G127S.
Identifiers: ClinVar variation 561077 (VCV000561077.3), dbSNP rs1569190092, ClinGen allele CA412390600.

ClinVar aggregate classification (germline): Uncertain significance. Review status: criteria provided, single submitter (1 of 4 stars). 2 submissions from 2 submitters: Uncertain significance (1). 1 of the submissions does not count toward it. Last evaluated 2017-09-01.

Conditions:
Pyruvate dehydrogenase E1-alpha deficiency (PDHAD). Also called: ATAXIA, INTERMITTENT, WITH PYRUVATE DEHYDROGENASE DEFICIENCY; ATAXIA WITH LACTIC ACIDOSIS I; ATAXIA, INTERMITTENT, WITH ABNORMAL PYRUVATE METABOLISM; Ataxia, intermittent, with pyruvate dehydrogenase, or decarboxylase, deficiency. Identifiers: Orphanet 79243, MedGen C1839413, MONDO:0010717, OMIM 312170.

Submissions (2):

Baylor Genetics
Classification: Uncertain significance for Pyruvate dehydrogenase E1-alpha deficiency. Last evaluated: 2017-09-01. Review status: criteria provided, single submitter. Criteria: ACMG Guidelines, 2015. Collection method: clinical testing. Allele origin: somatic. Inheritance: X-linked inheritance. Affected: yes.

PDHA1 Study Group, University Children’s Hospital, Paracelsus Medical University
Classification: Likely pathogenic for Pyruvate dehydrogenase E1-alpha deficiency. Last evaluated: 2024-10-15. Review status: no assertion criteria provided. Collection method: research. Allele origin: de novo. Affected: yes. Observed: 2 variant alleles. Not counted in ClinVar's aggregate classification.
Comment: The NM_000284.3:c.265G>A (p.Gly89Ser) substitution is a missense variant in PDHA1 gene. In total, 2 individuals were diagnosed with PDHA1-related Pyruvate dehydrogenase complex (PDHc) deficiency (MIM #312170). Among them, 1 case had confirmed de novo occurrence. The variant has been reported in 2 published cases (PMIDs: 10567050, 8598634). Last literature search: July 12, 2024. This variant is absent or extremely rare in population-based cohorts in the Genome Aggregation Database (gnomAD). Individuals harboring this variant presented with clinical features compatible with PDHA1-related PDHc deficiency. In summary, this variant meets criteria to be classified as likely pathogenic (LP) for PDHA1-related PDHc deficiency based on the ACMG/AMP criteria applied: PS3, PM2, PP3 (last assessment October 15, 2024).

Literature cited by the submitters: PubMed 8598634 (cited by Baylor Genetics and PDHA1 Study Group, University Children’s Hospital, Paracelsus Medical University); PubMed 25326635 (cited by Baylor Genetics); PubMed 10567050 (cited by PDHA1 Study Group, University Children’s Hospital, Paracelsus Medical University); DOI 10.1093/brain/awaf430 (cited by PDHA1 Study Group, University Children’s Hospital, Paracelsus Medical University).